The following is an entry in ClinVar:

ClinVar aggregate classification (germline): Uncertain significance. Review status: criteria provided, multiple submitters, no conflicts (2 of 4 stars). 2 submissions from 2 submitters: Uncertain significance (2). Last evaluated 2025-07-24.

Conditions:
Cardiovascular phenotype. Identifiers: MedGen CN230736.

Submissions (2):

Molecular Diagnostic Laboratory for Inherited Cardiovascular Disease, Montreal Heart Institute
Classification: Uncertain significance for Cardiovascular phenotype. Last evaluated: 2025-07-24. Review status: criteria provided, single submitter. Criteria: ACMG Guidelines, 2015. Collection method: clinical testing. Allele origin: germline. Affected: yes.
Comment: PM2

Blueprint Genetics
Classification: Uncertain significance. Last evaluated: 2023-05-22. Review status: criteria provided, single submitter. Criteria: ACMG Guidelines, 2015. Collection method: clinical testing. Allele origin: germline.

NM_198060.4(NRAP):c.86C>G (p.Ala29Gly)

Gene: NRAP (nebulin related anchoring protein; minus strand). Cytogenetic location: 10q25.3.
Variant type: single nucleotide variant.
Coding change: c.86C>G on transcript NM_198060.4 (MANE Select); coding-DNA position 86, C replaced by G.
Protein change: p.Ala29Gly; replaces alanine 29 with glycine.
Molecular consequence: missense variant.
Genome position (GRCh38, 1-based): chr10:113,663,433, G>C on the plus strand (C>G on the coding strand, the complement: NRAP is on the minus strand). VCF-style: chr10-113663433-G-C. GRCh37 (hg19) VCF-style: chr10-115423192-G-C.
Other names: c.86C>G, p.Ala29Gly (NM_001261463.2, NM_001322945.2, NM_006175.5); short protein forms A29G.
Identifiers: ClinVar variation 4076431 (VCV004076431.2), dbSNP rs759554045.